The following is an entry in ClinVar:

NM_000088.4(COL1A1):c.2489G>C (p.Gly830Ala)

Gene: COL1A1 (collagen type I alpha 1 chain; minus strand). Cytogenetic location: 17q21.33.
Variant type: single nucleotide variant.
Coding change: c.2489G>C on transcript NM_000088.4 (MANE Select); coding-DNA position 2489, G replaced by C.
Protein change: p.Gly830Ala; replaces glycine 830 with alanine.
Molecular consequence: missense variant.
Genome position (GRCh38, 1-based): chr17:50,190,071, C>G on the plus strand (G>C on the coding strand, the complement: COL1A1 is on the minus strand). VCF-style: chr17-50190071-C-G. GRCh37 (hg19) VCF-style: chr17-48267432-C-G.
Other names: short protein forms G830A.
Identifiers: ClinVar variation 994051 (VCV000994051.8), dbSNP rs1906940342, ClinGen allele CA400207795.

ClinVar aggregate classification (germline): Likely pathogenic (1 of 4 stars; one submission).

Submission:

ARUP Laboratories, Molecular Genetics and Genomics, ARUP Laboratories
Classification: Likely pathogenic. Last evaluated: 2020-01-16. Review status: criteria provided, single submitter. Criteria: ARUP Molecular Germline Variant Investigation Process. Collection method: clinical testing. Allele origin: germline.
Comment: The COL1A1 c.2489G>C; p.Gly830Ala variant, to our knowledge, is not reported in the medical literature or gene-specific databases. This variant is also absent from general population databases (Exome Variant Server, Genome Aggregation Database), indicating it is not a common polymorphism. The glycine at codon 830 is highly conserved, and computational analyses (SIFT, PolyPhen-2) predict that this variant is deleterious. This codon is located in a triple helix repeat domain, and glycine substitutions are the most frequent pathogenic alterations in this region (Ben Amor 2011). Additionally, other glycine substitutions in this exon have been reported in individuals affected with osteogenesis imperfecta and are considered disease-causing (Marini 2007). Based on available information, the p.Gly830Ala variant is considered to be likely pathogenic. References: Ben Amor I et al. Genotype-phenotype correlations in autosomal dominant osteogenesis imperfecta. J Osteoporos. 2011; 2011:540178. Marini J et al. Consortium for osteogenesis imperfecta mutations in the helical domain of type I collagen: regions rich in lethal mutations align with collagen binding sites for integrins and proteoglycans. Hum Mutat. 2007 Mar;28(3):209-21.